The following is an entry in ClinVar:

NM_018723.4(RBFOX1):c.676+6G>C

Gene: RBFOX1 (RNA binding fox-1 homolog 1; plus strand). Cytogenetic location: 16p13.3.
Variant type: single nucleotide variant.
Coding change: c.676+6G>C on transcript NM_018723.4 (MANE Select); 6 bases into the intron after coding-DNA position 676, G replaced by C.
Molecular consequence: intron variant.
Genome position (GRCh38, 1-based): chr16:7,607,344, G>C. VCF-style: chr16-7607344-G-C. GRCh37 (hg19) VCF-style: chr16-7657346-G-C.
Other names: c.676+6G>C (NM_001364800.2, NM_001142333.2, NM_001142334.2); c.805+6G>C (NM_001308117.1); c.736+6G>C (NM_145893.3, NM_145891.3, NM_145892.3).
Identifiers: ClinVar variation 1404046 (VCV001404046.7), dbSNP rs781701289, ClinGen allele CA7891603.

ClinVar aggregate classification (germline): Uncertain significance (1 of 4 stars; one submission).

Conditions:
Idiopathic generalized epilepsy. Also called: Generalised epilepsy; EIG. Identifiers: MedGen C0270850, MONDO:0005579, OMIM 600669.

Allele frequency attached by ClinVar (database versions not stated): TOPMed below 0.00001; ExAC 0.00001; gnomAD 0.00001; gnomAD exomes 0.00002.
gnomAD v4.1: 23 of 1,608,212 alleles (0.0014%); highest among the groups gnomAD compares: South Asian, 0.0034%; no homozygotes.

Submission:

Labcorp Genetics (formerly Invitae), Labcorp
Classification: Uncertain significance for Idiopathic generalized epilepsy. Last evaluated: 2021-07-11. Review status: criteria provided, single submitter. Criteria: Invitae Variant Classification Sherloc (09022015). Collection method: clinical testing. Allele origin: germline.
Comment: In summary, the available evidence is currently insufficient to determine the role of this variant in disease. Therefore, it has been classified as a Variant of Uncertain Significance. Nucleotide substitutions within the consensus splice site are a relatively common cause of aberrant splicing (PMID: 17576681, 9536098). Algorithms developed to predict the effect of sequence changes on RNA splicing suggest that this variant may disrupt the consensus splice site. This variant has not been reported in the literature in individuals affected with RBFOX1-related conditions. This variant is present in population databases (rs781701289, ExAC 0.001%). This sequence change falls in intron 7 of the RBFOX1 gene. It does not directly change the encoded amino acid sequence of the RBFOX1 protein. It affects a nucleotide within the consensus splice site of the intron.

Literature cited by the submitters: PubMed 17576681; PubMed 9536098.